The following is an entry in ClinVar:

ClinVar aggregate classification (germline): Uncertain significance (1 of 4 stars; one submission).

gnomAD v4.1: 2 of 1,614,154 alleles (0.00012%); highest among the groups gnomAD compares: Non-Finnish European, 0.00017%; no homozygotes.

Submission:

Labcorp Genetics (formerly Invitae), Labcorp
Classification: Uncertain significance. Last evaluated: 2025-03-31. Review status: criteria provided, single submitter. Criteria: Invitae Variant Classification Sherloc (09022015). Collection method: clinical testing. Allele origin: germline.
Comment: This sequence change replaces alanine, which is neutral and non-polar, with valine, which is neutral and non-polar, at codon 423 of the ERCC3 protein (p.Ala423Val). This variant is not present in population databases (gnomAD no frequency). This variant has not been reported in the literature in individuals affected with ERCC3-related conditions. ClinVar contains an entry for this variant (Variation ID: 1974722). Invitae Evidence Modeling of protein sequence and biophysical properties (such as structural, functional, and spatial information, amino acid conservation, physicochemical variation, residue mobility, and thermodynamic stability) indicates that this missense variant is expected to disrupt ERCC3 protein function with a positive predictive value of 80%. In summary, the available evidence is currently insufficient to determine the role of this variant in disease. Therefore, it has been classified as a Variant of Uncertain Significance.

NM_000122.2(ERCC3):c.1268C>T (p.Ala423Val)

Gene: ERCC3 (ERCC excision repair 3, TFIIH core complex helicase subunit; minus strand). Cytogenetic location: 2q14.3.
Variant type: single nucleotide variant.
Coding change: c.1268C>T on transcript NM_000122.2 (MANE Select); coding-DNA position 1268, C replaced by T.
Protein change: p.Ala423Val; replaces alanine 423 with valine.
Molecular consequence: missense variant.
Genome position (GRCh38, 1-based): chr2:127,286,777, G>A on the plus strand (C>T on the coding strand, the complement: ERCC3 is on the minus strand). VCF-style: chr2-127286777-G-A. GRCh37 (hg19) VCF-style: chr2-128044353-G-A.
Other names: c.1076C>T, p.Ala359Val (NM_001303416.2, NM_001303418.2); short protein forms A423V, A359V.
Identifiers: ClinVar variation 1974722 (VCV001974722.5), dbSNP rs2104770896, ClinGen allele CA348389638.